The following is an entry in ClinVar:

NM_000548.5(TSC2):c.1975A>C (p.Thr659Pro)

Gene: TSC2 (TSC complex subunit 2; plus strand). Cytogenetic location: 16p13.3.
Variant type: single nucleotide variant.
Coding change: c.1975A>C on transcript NM_000548.5 (MANE Select); coding-DNA position 1975, A replaced by C.
Protein change: p.Thr659Pro; replaces threonine 659 with proline.
Molecular consequence: missense variant.
Genome position (GRCh38, 1-based): chr16:2,071,812, A>C. VCF-style: chr16-2071812-A-C. GRCh37 (hg19) VCF-style: chr16-2121813-A-C.
Other names: c.1975A>C, p.Thr659Pro (NM_001077183.3, NM_001114382.3, NM_001363528.2 and 6 more transcripts); c.1864A>C, p.Thr622Pro (NM_001318827.2, NM_001406670.1, NM_001406678.1); c.1828A>C, p.Thr610Pro (NM_001318829.2, NM_001406675.1, NM_001406676.1 and 1 more transcripts); c.1375A>C, p.Thr459Pro (NM_001318831.2, NM_001406687.1, NM_001406688.1 and 6 more transcripts); c.2008A>C, p.Thr670Pro (NM_001318832.2); c.2065A>C, p.Thr689Pro (NM_001406667.1, NM_001406668.1); c.1963A>C, p.Thr655Pro (NM_001406671.1, NM_001406673.1); c.631A>C, p.Thr211Pro (NM_001406689.1, NM_001406690.1, NM_001406691.1 and 6 more transcripts); and 3 more; short protein forms T125P, T211P, T459P, T505P, T610P, T622P, T640P, T655P.
Identifiers: ClinVar variation 1718992 (VCV001718992.5), dbSNP rs1398495219, ClinGen allele CA394274354.
Genomic context (GRCh38, chr16:2,071,812, plus strand): 5'-CTTGGCCTCAGCTGCTTCTCTTGCTTCTGCAGGGAGCCAGAGAGAGGCTCTGAGAAGAAG[A>C]CCAGCGGCCCCCTTTCTCCTCCCACAGGGCCTCCTGGCCCGGCGCCTGCAGGCCCCGCCG-3'
Protein context (NP_000539.2, residues 649-669): MEPERGSEKK[Thr659Pro]SGPLSPPTGP

ClinVar aggregate classification (germline): Uncertain significance (1 of 4 stars; one submission).

Conditions:
Tuberous sclerosis 2 (TSC2). Identifiers: Orphanet 805, MedGen C1860707, MONDO:0013199, OMIM 613254.

Submission:

Labcorp Genetics (formerly Invitae), Labcorp
Classification: Uncertain significance for Tuberous sclerosis 2. Last evaluated: 2024-05-22. Review status: criteria provided, single submitter. Criteria: Invitae Variant Classification Sherloc (09022015). Collection method: clinical testing. Allele origin: germline.
Comment: This sequence change replaces threonine, which is neutral and polar, with proline, which is neutral and non-polar, at codon 659 of the TSC2 protein (p.Thr659Pro). This variant is not present in population databases (gnomAD no frequency). This variant has not been reported in the literature in individuals affected with TSC2-related conditions. ClinVar contains an entry for this variant (Variation ID: 1718992). Advanced modeling of protein sequence and biophysical properties (such as structural, functional, and spatial information, amino acid conservation, physicochemical variation, residue mobility, and thermodynamic stability) performed at Invitae indicates that this missense variant is not expected to disrupt TSC2 protein function with a negative predictive value of 95%. In summary, the available evidence is currently insufficient to determine the role of this variant in disease. Therefore, it has been classified as a Variant of Uncertain Significance.